The following is an entry in ClinVar:

NM_000020.3(ACVRL1):c.353A>G (p.Gln118Arg)

Gene: ACVRL1 (activin A receptor like type 1; plus strand). Cytogenetic location: 12q13.13.
Variant type: single nucleotide variant.
Coding change: c.353A>G on transcript NM_000020.3 (MANE Select); coding-DNA position 353, A replaced by G.
Protein change: p.Gln118Arg; replaces glutamine 118 with arginine.
Molecular consequence: missense variant. On other transcripts: intron variant (6).
Genome position (GRCh38, 1-based): chr12:51,913,598, A>G. VCF-style: chr12-51913598-A-G. GRCh37 (hg19) VCF-style: chr12-52307382-A-G.
Other names: c.353A>G, p.Gln118Arg (NM_001077401.2, NM_001406487.1, NM_001406488.1 and 1 more transcripts); c.313+248A>G (NM_001406491.1, NM_001406490.1, NM_001406492.1 and 2 more transcripts); c.62-841A>G (NM_001406495.1); short protein forms Q118R.
Identifiers: ClinVar variation 3635219 (VCV003635219.2).

ClinVar aggregate classification (germline): Uncertain significance (1 of 4 stars; one submission).

Conditions:
Telangiectasia, hereditary hemorrhagic, type 2 (HHT2). Also called: ACVRL1-Related Hereditary Hemorrhagic Telangiectasia; Telangiectasia, hereditary hemorrhagic, type II. Identifiers: Orphanet 774, MedGen C1838163, MONDO:0010880, OMIM 600376. Disease mechanism: loss of function.

gnomAD v4.1: 1 of 1,600,926 alleles (0.000062%); highest among the groups gnomAD compares: Non-Finnish European, 0.000085%; no homozygotes.

Submission:

Labcorp Genetics (formerly Invitae), Labcorp
Classification: Uncertain significance for Telangiectasia, hereditary hemorrhagic, type 2. Last evaluated: 2024-06-29. Review status: criteria provided, single submitter. Criteria: Invitae Variant Classification Sherloc (09022015). Collection method: clinical testing. Allele origin: germline.
Comment: This sequence change replaces glutamine, which is neutral and polar, with arginine, which is basic and polar, at codon 118 of the ACVRL1 protein (p.Gln118Arg). This variant is not present in population databases (gnomAD no frequency). This variant has not been reported in the literature in individuals affected with ACVRL1-related conditions. Advanced modeling of protein sequence and biophysical properties (such as structural, functional, and spatial information, amino acid conservation, physicochemical variation, residue mobility, and thermodynamic stability) has been performed at Invitae for this missense variant, however the output from this modeling did not meet the statistical confidence thresholds required to predict the impact of this variant on ACVRL1 protein function. In summary, the available evidence is currently insufficient to determine the role of this variant in disease. Therefore, it has been classified as a Variant of Uncertain Significance.